The following is an entry in ClinVar:

NM_000091.5(COL4A3):c.274G>C (p.Val92Leu)

Genes: COL4A3 (collagen type IV alpha 3 chain; plus strand), MFF-DT (MFF divergent transcript; minus strand). Cytogenetic location: 2q36.3.
Variant type: single nucleotide variant.
Coding change: c.274G>C on transcript NM_000091.5 (MANE Select); coding-DNA position 274, G replaced by C.
Protein change: p.Val92Leu; replaces valine 92 with leucine.
Molecular consequence: missense variant.
Genome position (GRCh38, 1-based): chr2:227,244,359, G>C. VCF-style: chr2-227244359-G-C. GRCh37 (hg19) VCF-style: chr2-228109075-G-C.
Other names: short protein forms V92L.
Identifiers: ClinVar variation 718509 (VCV000718509.17), dbSNP rs200873401, ClinGen allele CA2145971.

ClinVar aggregate classification (germline): Likely benign. Review status: criteria provided, multiple submitters, no conflicts (2 of 4 stars). 5 submissions from 5 submitters: Likely benign (3). 2 of the submissions do not count toward it. Last evaluated 2026-01-14.

Conditions:
COL4A3-related disorder. Also called: COL4A3-related condition; COL4A3-Related Disorders.
Alport syndrome. Also called: Hemorrhagic familial nephritis; Hemorrhagic hereditary nephritis; Congenital hereditary hematuria. Identifiers: Orphanet 63, MedGen C1567741, MONDO:0018965.
Autosomal dominant Alport syndrome (ATS3A). Also called: ALPORT SYNDROME 3A, AUTOSOMAL DOMINANT; Alport syndrome dominant type; Renal failure and sensorineural hearing loss. Identifiers: Orphanet 63, Orphanet 88918, MedGen C5882663, MONDO:0007086, OMIM 104200.
Autosomal recessive Alport syndrome (ATS2). Also called: COL4A4 Alport Syndrome and Thin Basement Membrane Nephropathy; ALPORT SYNDROME 2, AUTOSOMAL RECESSIVE; COL4A3-Related Nephropathy; Alport syndrome type 2. Identifiers: Orphanet 63, Orphanet 88919, MedGen C4746745, MONDO:0008762, OMIM 203780.
Benign familial hematuria. Also called: thin basement membrane disease. Identifiers: MedGen C0241908, MONDO:0957317.

Allele frequency attached by ClinVar (database versions not stated): 1000 Genomes Project 30x 0.00047; TOPMed 0.00082; 1000 Genomes Project 0.00060; ESP Exome Variant Server 0.00135; gnomAD 0.00070.
gnomAD v4.1: 217 of 1,613,836 alleles (0.013%); highest among the groups gnomAD compares: African/African-American, 0.26%; no homozygotes.

Submissions (5):

Labcorp Genetics (formerly Invitae), Labcorp
Classification: Likely benign. Last evaluated: 2026-01-14. Review status: criteria provided, single submitter. Criteria: Invitae Variant Classification Sherloc (09022015). Collection method: clinical testing. Allele origin: germline.

Fulgent Genetics
Classification: Likely benign for Autosomal dominant Alport syndrome; Hematuria, benign familial, 1; Autosomal recessive Alport syndrome. Last evaluated: 2021-11-02. Review status: criteria provided, single submitter. Criteria: ACMG Guidelines, 2015. Collection method: clinical testing. Allele origin: unknown.

GeneDx
Classification: Likely benign. Last evaluated: 2021-04-08. Review status: criteria provided, single submitter. Criteria: GeneDx Variant Classification Process June 2021. Collection method: clinical testing. Allele origin: germline. Affected: yes.

PreventionGenetics, part of Exact Sciences
Classification: Likely benign for COL4A3-related condition. Last evaluated: 2021-03-25. Review status: no assertion criteria provided. Collection method: clinical testing. Allele origin: germline. Not counted in ClinVar's aggregate classification.
Comment: This variant is classified as likely benign based on ACMG/AMP sequence variant interpretation guidelines (Richards et al. 2015 PMID: 25741868, with internal and published modifications).

Natera, Inc.
Classification: Uncertain significance for Alport syndrome. Last evaluated: 2020-01-24. Review status: no assertion criteria provided. Collection method: clinical testing. Allele origin: germline. Not counted in ClinVar's aggregate classification.